The following is an entry in ClinVar:

NM_201384.3(PLEC):c.8114C>T (p.Ala2705Val)

Gene: PLEC (plectin; minus strand). Cytogenetic location: 8q24.3.
Variant type: single nucleotide variant.
Coding change: c.8114C>T on transcript NM_201384.3 (MANE Select); coding-DNA position 8114, C replaced by T.
Protein change: p.Ala2705Val; replaces alanine 2705 with valine.
Molecular consequence: missense variant.
Genome position (GRCh38, 1-based): chr8:143,921,707, G>A on the plus strand (C>T on the coding strand, the complement: PLEC is on the minus strand). VCF-style: chr8-143921707-G-A. GRCh37 (hg19) VCF-style: chr8-144995875-G-A.
Other names: c.8195C>T, p.Ala2732Val (NM_000445.5); c.4814C>T, p.Ala1605Val (NM_001410941.1); c.8072C>T, p.Ala2691Val (NM_201378.4); c.8048C>T, p.Ala2683Val (NM_201379.3); c.8525C>T, p.Ala2842Val (NM_201380.4); c.8018C>T, p.Ala2673Val (NM_201381.3); c.8114C>T, p.Ala2705Val (NM_201382.4); c.8126C>T, p.Ala2709Val (NM_201383.3); short protein forms A1605V, A2673V, A2683V, A2691V, A2705V, A2709V, A2732V, A2842V.
Identifiers: ClinVar variation 3896945 (VCV003896945.1).

ClinVar aggregate classification (germline): Uncertain significance (1 of 4 stars; one submission).

Conditions:
Autosomal recessive limb-girdle muscular dystrophy type 2Q (LGMDR17). Also called: MUSCULAR DYSTROPHY, LIMB-GIRDLE, AUTOSOMAL RECESSIVE 17. Identifiers: Orphanet 254361, MedGen C3150989, MONDO:0013390, OMIM 613723.

Submission:

Kariminejad - Najmabadi Pathology & Genetics Center
Classification: Uncertain significance for Autosomal recessive limb-girdle muscular dystrophy type 2Q. Last evaluated: 2023-12-20. Review status: criteria provided, single submitter. Criteria: ACMG Guidelines, 2015. Collection method: clinical testing. Allele origin: germline. Inheritance: Autosomal recessive inheritance. Affected: yes.
Comment: PM2,BP1